The following is an entry in ClinVar:

ClinVar aggregate classification (germline): Pathogenic (1 of 4 stars; one submission).

Submission:

Labcorp Genetics (formerly Invitae), Labcorp
Classification: Pathogenic. Last evaluated: 2021-11-02. Review status: criteria provided, single submitter. Criteria: Invitae Variant Classification Sherloc (09022015). Collection method: clinical testing. Allele origin: germline.
Comment: For these reasons, this variant has been classified as Pathogenic. Retrotransposon insertions including LINE1 (L1), Alu, and SVA (SINE-VNTR-Alu) have been reported to be disease-causing through disruption of either a coding region or splice site (PMID: 19763152, 20307669, 22406018) and loss-of-function variants in ADGRV1 are known to be pathogenic (PMID: 19357117, 22135276, 22147658, 26226137, 26667666, 30029497, 32467589). Algorithms developed to predict the effect of sequence changes on RNA splicing suggest that this variant may create or strengthen a splice site. This variant has not been reported in the literature in individuals affected with ADGRV1-related conditions. This variant is not present in population databases (gnomAD no frequency). This sequence change inserts a large fragment of DNA, likely a transposable element, in exon 33 of the ADGRV1 gene (c.7698_7699ins?), causing a frameshift at codon 2567 (p.Thr2567fs). The exact size and sequence of the insertion cannot be determined by the current assay. However, the insertion is expected to result in an absent or disrupted protein product.

Literature cited by the submitters: PubMed 19763152; PubMed 20307669; PubMed 22406018; PubMed 19357117; PubMed 22135276; PubMed 22147658; PubMed 26226137; PubMed 26667666; PubMed 30029497; PubMed 32467589.

NM_032119.4(ADGRV1):c.7698_7699insTTTTTTTTTTTTTTTTTTTTNNNNNNNNNNGACCTCGTGATCCGCCCGCCTCGGCCTCCCAAAGTGCTGGGATTACAGGCGTGAGCCACCGCGCCCGGCCCAAATATTTCT (p.Thr2567delinsPhePhePhePhePhePheXaaXaaXaaXaaAspLeuValIleArgProProArgProProLysValLeuGlyLeuGlnAlaTer)

Gene: ADGRV1 (adhesion G protein-coupled receptor V1; plus strand). Cytogenetic location: 5q14.3.
Variant type: Insertion.
Coding change: c.7698_7699insTTTTTTTTTTTTTTTTTTTTNNNNNNNNNNGACCTCGTGATCCGCCCGCCTCGGCCTCCCAAAGTGCTGGGATTACAGGCGTGAGCCACCGCGCCCGGCCCAAATATTTCT on transcript NM_032119.4 (MANE Select); coding-DNA positions 7698 to 7699, TTTTTTTTTTTTTTTTTTTTNNNNNNNNNNGACCTCGTGATCCGCCCGCCTCGGCCTCCCAAAGTGCTGGGATTACAGGCGTGAGCCACCGCGCCCGGCCCAAATATTTCT inserted.
Protein change: p.Thr2567delinsPhePhePhePhePhePheXaaXaaXaaXaaAspLeuValIleArgProProArgProProLysValLeuGlyLeuGlnAlaTer.
Molecular consequence: nonsense. On other transcripts: non-coding transcript variant (1).
Genome position: GRCh38: chr5:90,694,454-90,694,455. GRCh37 (hg19): chr5:89,990,271-89,990,272.
Identifiers: ClinVar variation 1383890 (VCV001383890.6), dbSNP rs2149642882.